The following is an entry in ClinVar:

NM_001844.5(COL2A1):c.512del (p.Gly171fs)

Gene: COL2A1 (collagen type II alpha 1 chain; minus strand). Cytogenetic location: 12q13.11.
Variant type: Deletion.
Coding change: c.512del on transcript NM_001844.5 (MANE Select); coding-DNA position 512, one base deleted (G; older notation c.512delG).
Protein change: p.Gly171fs; shifts the reading frame from glycine 171.
Molecular consequence: frameshift variant.
Genome position (GRCh38, 1-based): chr12:47,997,625, C deleted on the plus strand (G on the coding strand, the reverse complement: COL2A1 is on the minus strand); the first of 2 consecutive C bases (chr12:47,997,625-47,997,626); deleting either gives the same sequence. VCF-style (leftmost placement, unchanged base first): chr12-47997624-AC-A. GRCh37 (hg19) VCF-style: chr12-48391407-AC-A.
Other names: c.512delG (NM_001844.4); c.512del (NM_001844.4); c.305del, p.Gly102fs (NM_033150.3); short protein forms G102fs, G171fs.
Identifiers: ClinVar variation 1805298 (VCV001805298.2), dbSNP rs2540180043, ClinGen allele CA916079842.

ClinVar aggregate classification (germline): Pathogenic. Review status: criteria provided, multiple submitters, no conflicts (2 of 4 stars). 2 submissions from 2 submitters: Pathogenic (2). Last evaluated 2025-02-10.

Conditions:
Stickler syndrome type 1 (STL1). Also called: ARTHROOPHTHALMOPATHY, HEREDITARY PROGRESSIVE; COL2A1-Related Stickler Syndrome; STICKLER SYNDROME, MEMBRANOUS VITREOUS TYPE; STICKLER SYNDROME, VITREOUS TYPE 1. Identifiers: Orphanet 828, Orphanet 90653, MedGen C2020284, MONDO:0007160, OMIM 108300.

Submissions (2):

GeneDx
Classification: Pathogenic. Last evaluated: 2025-02-10. Review status: criteria provided, single submitter. Criteria: GeneDx Variant Classification Process June 2021. Collection method: clinical testing. Allele origin: germline. Affected: yes.
Comment: Has not been previously published as pathogenic or benign to our knowledge; Not observed at significant frequency in large population cohorts (gnomAD); Frameshift variant predicted to result in protein truncation or nonsense mediated decay in a gene for which loss-of-function is a known mechanism of disease

Victorian Clinical Genetics Services, Murdoch Childrens Research Institute
Classification: Pathogenic for Stickler syndrome type 1. Last evaluated: 2020-05-26. Review status: criteria provided, single submitter. Criteria: ACMG Guidelines, 2015. Collection method: clinical testing. Allele origin: germline. Inheritance: Autosomal dominant inheritance. Affected: yes.
Comment: Based on the classification scheme VCGS_Germline_v1.1.1, this variant is classified as pathogenic. Following criteria are met: 0102 - Loss-of-function is a known mechanism of disease for this gene. Variants causing a premature termination codon have been shown to result in haploinsufficiency (PMID: 17721977, PMID: 27234559, PMID: 20179744). (N) 0104 - Dominant Negative is a known mechanism of disease for this gene. Missense variants affecting glycine residues have been shown to cause a dominant negative disease mechanism (PMID: 15895462). (N) 0107 - This gene is known to be associated with autosomal dominant disease. (N) 0201 - Variant is located in exon 7 of 54 and is predicted to cause nonsense-mediated decay (NMD) and loss of protein. (P) 0251 - Variant is heterozygous. (N) 0301 - Variant is absent from gnomAD. (P) 0701 - Comparable variants also predicted to result in NMD, have very strong previous evidence for pathogenicity. Many (>50) variants causing a premature termination codon in multiple patients with Stickler syndrome have been classified as pathogenic or likely pathogenic (PMID: 31736238). (P) 0807 - Variant has not previously been reported in a clinical context. (N) 0905 - No segregation evidence has been identified for this variant. (N) 1007 - No published functional evidence has been identified for this variant. (N) 1208 - Inheritance information for this variant is not currently available. (N) Legend: (P) - Pathogenic, (N) - Neutral, (B) - Benign

Literature cited by the submitters: PubMed 15895462 (cited by Victorian Clinical Genetics Services, Murdoch Childrens Research Institute); PubMed 17721977 (cited by Victorian Clinical Genetics Services, Murdoch Childrens Research Institute); PubMed 20179744 (cited by Victorian Clinical Genetics Services, Murdoch Childrens Research Institute); PubMed 27234559 (cited by Victorian Clinical Genetics Services, Murdoch Childrens Research Institute); PubMed 31736238 (cited by Victorian Clinical Genetics Services, Murdoch Childrens Research Institute).